The following is an entry in ClinVar:

ClinVar aggregate classification (germline): Likely benign. Review status: criteria provided, multiple submitters, no conflicts (2 of 4 stars). 3 submissions from 3 submitters: Likely benign (2). 1 of the submissions does not count toward it. Last evaluated 2025-09-01.

Conditions:
MAGEL2-related disorder. Also called: MAGEL2-related condition.

Allele frequency attached by ClinVar (database versions not stated): gnomAD 0.00002; TOPMed 0.00003; ExAC 0.00004; ESP Exome Variant Server 0.00008.

Submissions (3):

CeGaT Center for Human Genetics Tuebingen
Classification: Likely benign. Last evaluated: 2025-09-01. Review status: criteria provided, single submitter. Criteria: CeGaT Center For Human Genetics Tuebingen Variant Classification Criteria Version 2. Collection method: clinical testing. Allele origin: germline. Affected: yes. Observed: 2 variant alleles.
Comment: MAGEL2: BP4, BP7

Labcorp Genetics (formerly Invitae), Labcorp
Classification: Likely benign. Last evaluated: 2024-10-09. Review status: criteria provided, single submitter. Criteria: Invitae Variant Classification Sherloc (09022015). Collection method: clinical testing. Allele origin: germline.

PreventionGenetics, part of Exact Sciences
Classification: Likely benign for MAGEL2-related condition. Last evaluated: 2024-05-31. Review status: no assertion criteria provided. Collection method: clinical testing. Allele origin: germline. Not counted in ClinVar's aggregate classification.
Comment: This variant is classified as likely benign based on ACMG/AMP sequence variant interpretation guidelines (Richards et al. 2015 PMID: 25741868, with internal and published modifications).

NM_019066.5(MAGEL2):c.2013G>A (p.Ser671=)

Gene: MAGEL2 (MAGE family member L2; minus strand). Cytogenetic location: 15q11.2.
Variant type: single nucleotide variant.
Coding change: c.2013G>A on transcript NM_019066.5 (MANE Select); coding-DNA position 2013, G replaced by A.
Protein change: p.Ser671=; no amino-acid change (serine 671 retained).
Molecular consequence: synonymous variant.
Genome position (GRCh38, 1-based): chr15:23,645,730, C>T on the plus strand (G>A on the coding strand, the complement: MAGEL2 is on the minus strand). VCF-style: chr15-23645730-C-T. GRCh37 (hg19) VCF-style: chr15-23890877-C-T.
Other names: c.2013G>A (NM_019066.4).
Identifiers: ClinVar variation 2168416 (VCV002168416.15), dbSNP rs373471090, ClinGen allele CA7429976.